The following is an entry in ClinVar:

ClinVar aggregate classification (germline): Conflicting classifications of pathogenicity. Review status: criteria provided, conflicting classifications (1 of 4 stars). 4 submissions from 4 submitters: Uncertain significance (3); Likely benign (1). Last evaluated 2026-05-11.

Conditions:
ADPRS-related disorder. Also called: ADPRS-related condition.
Neurodegeneration, childhood-onset, stress-induced, with variable ataxia and seizures. Identifiers: Orphanet 694922, MedGen C4748527, MONDO:0100095, OMIM 618170.

Allele frequency attached by ClinVar (database versions not stated): 1000 Genomes Project 30x 0.00016; 1000 Genomes Project 0.00020; gnomAD 0.00039 and 0.00042; TOPMed 0.00044; gnomAD exomes 0.00048 and 0.00057; ExAC 0.00061; ESP Exome Variant Server 0.00069.
gnomAD v4.1: 885 of 1,607,878 alleles (0.055%); highest among the groups gnomAD compares: Non-Finnish European, 0.066%; no homozygotes.

Submissions (4):

PreventionGenetics, part of Exact Sciences
Classification: Likely benign for ADPRS-related condition. Last evaluated: 2026-05-11. Review status: criteria provided, single submitter. Criteria: ACMG Guidelines, 2015. Collection method: clinical testing. Allele origin: germline.
Comment: This variant is classified as likely benign based on ACMG/AMP sequence variant interpretation guidelines (Richards et al. 2015 PMID: 25741868, with internal and published modifications).

Blueprint Genetics
Classification: Uncertain significance. Last evaluated: 2024-11-26. Review status: criteria provided, single submitter. Criteria: ACMG Guidelines, 2015. Collection method: clinical testing. Allele origin: germline.

Revvity Omics, Revvity
Classification: Uncertain significance for Neurodegeneration, childhood-onset, stress-induced, with variable ataxia and seizures. Last evaluated: 2022-11-01. Review status: criteria provided, single submitter. Criteria: ACMG Guidelines, 2015. Collection method: clinical testing. Allele origin: germline.

Baylor Genetics
Classification: Uncertain significance for Neurodegeneration, childhood-onset, stress-induced, with variable ataxia and seizures. Last evaluated: 2019-10-09. Review status: criteria provided, single submitter. Criteria: ACMG Guidelines, 2015. Collection method: clinical testing. Allele origin: unknown. Affected: yes.
Comment: This variant was determined to be of uncertain significance according to ACMG Guidelines, 2015 [PMID:25741868].

NM_017825.3(ADPRS):c.491A>G (p.Tyr164Cys)

Gene: ADPRS (ADP-ribosylserine hydrolase; plus strand). Cytogenetic location: 1p34.3.
Variant type: single nucleotide variant.
Coding change: c.491A>G on transcript NM_017825.3 (MANE Select); coding-DNA position 491, A replaced by G.
Protein change: p.Tyr164Cys; replaces tyrosine 164 with cysteine.
Molecular consequence: missense variant.
Genome position (GRCh38, 1-based): chr1:36,091,800, A>G. VCF-style: chr1-36091800-A-G. GRCh37 (hg19) VCF-style: chr1-36557401-A-G.
Other names: short protein forms Y164C.
Identifiers: ClinVar variation 1029488 (VCV001029488.6), dbSNP rs139736291, ClinGen allele CA764582.
Genomic context (GRCh38, chr1:36,091,800, plus strand): 5'-ACGGGAAAGGCTCCTATGGCAATGGAGGTGCCATGCGGGTGGCTGGCATCTCCCTGGCCT[A>G]TAGCAGTGTCCAGGATGTGCAGAAGGTATTCAGGGCGGGCTGGCTTCTGGGCTGTCCCCT-3'
Protein context (NP_060295.1, residues 154-174): AMRVAGISLA[Tyr164Cys]SSVQDVQKFA